The following is an entry in ClinVar:

ClinVar aggregate classification (germline): Uncertain significance (1 of 4 stars; one submission).

Conditions:
Kabuki syndrome. Also called: NIIKAWA-KUROKI SYNDROME; Kabuki make-up syndrome. Identifiers: Orphanet 2322, MedGen C0796004, MONDO:0016512.

Submission:

Labcorp Genetics (formerly Invitae), Labcorp
Classification: Uncertain significance for Kabuki syndrome. Last evaluated: 2022-10-24. Review status: criteria provided, single submitter. Criteria: Invitae Variant Classification Sherloc (09022015). Collection method: clinical testing. Allele origin: germline.
Comment: In summary, the available evidence is currently insufficient to determine the role of this variant in disease. Therefore, it has been classified as a Variant of Uncertain Significance. Advanced modeling of protein sequence and biophysical properties (such as structural, functional, and spatial information, amino acid conservation, physicochemical variation, residue mobility, and thermodynamic stability) performed at Invitae indicates that this missense variant is not expected to disrupt KMT2D protein function. This variant has not been reported in the literature in individuals affected with KMT2D-related conditions. This variant is not present in population databases (gnomAD no frequency). This sequence change replaces glycine, which is neutral and non-polar, with arginine, which is basic and polar, at codon 3225 of the KMT2D protein (p.Gly3225Arg).

NM_003482.4(KMT2D):c.9673G>A (p.Gly3225Arg)

Gene: KMT2D (lysine methyltransferase 2D; minus strand). Cytogenetic location: 12q13.12.
Variant type: single nucleotide variant.
Coding change: c.9673G>A on transcript NM_003482.4 (MANE Select); coding-DNA position 9673, G replaced by A.
Protein change: p.Gly3225Arg; replaces glycine 3225 with arginine.
Molecular consequence: missense variant.
Genome position (GRCh38, 1-based): chr12:49,037,683, C>T on the plus strand (G>A on the coding strand, the complement: KMT2D is on the minus strand). VCF-style: chr12-49037683-C-T. GRCh37 (hg19) VCF-style: chr12-49431466-C-T.
Other names: short protein forms G3225R.
Identifiers: ClinVar variation 1999590 (VCV001999590.4), dbSNP rs2120484171, ClinGen allele CA384736816.
Genomic context (GRCh38, chr12:49,037,683, plus strand): 5'-ACTCGCTGGCTACCAGTGAGCTCTCCATCTTGTCTAGCTCATCCCCAGATGCTGCAGGTC[C>T]ACCAGGCAAGGTCAAAGCCCCACTCTCGAGCTCAAACTTTTCCAGCAGGGAGGATCCTCC-3'
Protein context (NP_003473.3, residues 3215-3235): LESGALTLPG[Gly3225Arg]PAASGDELDK